The following is an entry in ClinVar:

NM_001378609.3(OTOGL):c.7052A>C (p.Gln2351Pro)

Gene: OTOGL (otogelin like; plus strand). Cytogenetic location: 12q21.31.
Variant type: single nucleotide variant.
Coding change: c.7052A>C on transcript NM_001378609.3 (MANE Select); coding-DNA position 7052, A replaced by C.
Protein change: p.Gln2351Pro; replaces glutamine 2351 with proline.
Molecular consequence: missense variant.
Genome position (GRCh38, 1-based): chr12:80,378,038, A>C. VCF-style: chr12-80378038-A-C. GRCh37 (hg19) VCF-style: chr12-80771818-A-C.
Other names: c.7025A>C (NM_173591.3); c.6917A>C, p.Gln2306Pro (NM_001368062.3); c.7052A>C, p.Gln2351Pro (NM_001378610.3, NM_173591.7); short protein forms Q2306P, Q2351P.
Identifiers: ClinVar variation 4917742 (VCV004917742.2).
Genomic context (GRCh38, chr12:80,378,038, plus strand): 5'-GCTCAGGAAATGGCACTGAAATTATGTACACTCTCCAGGAACCCATAGACTGTACGTGCC[A>C]GTGGAATTAAACCCTTGGGTTCCAAGAGCTCTATACAACATCATAACGTCAGATAGAATT-3'
Protein context (NP_001365538.2, residues 2341-2353): TLQEPIDCTC[Gln2351Pro]WN

ClinVar aggregate classification (germline): Conflicting classifications of pathogenicity. Review status: criteria provided, conflicting classifications (1 of 4 stars). 2 submissions from 2 submitters: Uncertain significance (1); Likely benign (1). Last evaluated 2026-02-11.

Conditions:
OTOGL-related disorder. Also called: OTOGL-related condition.

gnomAD v4.1: 372 of 1,570,324 alleles (0.024%); highest among the groups gnomAD compares: Non-Finnish European, 0.0097%; 1 homozygote.

Submissions (2):

PreventionGenetics, part of Exact Sciences
Classification: Likely benign for OTOGL-related condition. Last evaluated: 2026-02-11. Review status: criteria provided, single submitter. Criteria: ACMG Guidelines, 2015. Collection method: clinical testing. Allele origin: germline.
Comment: This variant is classified as likely benign based on ACMG/AMP sequence variant interpretation guidelines (Richards et al. 2015 PMID: 25741868, with internal and published modifications).

Blueprint Genetics
Classification: Uncertain significance. Last evaluated: 2024-08-23. Review status: criteria provided, single submitter. Criteria: ACMG Guidelines, 2015. Collection method: clinical testing. Allele origin: germline.